The following is an entry in ClinVar:

NM_001267550.2(TTN):c.47917G>A (p.Glu15973Lys)

Genes: TTN-AS1 (TTN antisense RNA 1; plus strand), TTN (titin; minus strand). Cytogenetic location: 2q31.2.
Variant type: single nucleotide variant.
Coding change: c.47917G>A on transcript NM_001267550.2 (MANE Select); coding-DNA position 47917, G replaced by A.
Protein change: p.Glu15973Lys; replaces glutamic acid 15973 with lysine.
Molecular consequence: missense variant.
Genome position (GRCh38, 1-based): chr2:178,616,972, C>T on the plus strand (G>A on the coding strand, the complement: TTN is on the minus strand). VCF-style: chr2-178616972-C-T. GRCh37 (hg19) VCF-style: chr2-179481699-C-T.
Other names: c.42994G>A, p.Glu14332Lys (NM_001256850.1); c.20722G>A, p.Glu6908Lys (NM_003319.4); c.40213G>A, p.Glu13405Lys (NM_133378.4); c.21097G>A, p.Glu7033Lys (NM_133432.3); c.21298G>A, p.Glu7100Lys (NM_133437.4); short protein forms E13405K, E6908K, E14332K, E7033K, E7100K, E15973K.
Identifiers: ClinVar variation 1785406 (VCV001785406.3), dbSNP rs375099780, ClinGen allele CA1994941.

ClinVar aggregate classification (germline): Uncertain significance. Review status: criteria provided, multiple submitters, no conflicts (2 of 4 stars). 2 submissions from 2 submitters: Uncertain significance (2). Last evaluated 2026-04-30.

Conditions:
Cardiovascular phenotype. Identifiers: MedGen CN230736.
TTN-related disorder. Also called: TTN-related disorders; TTN-related condition; TTN-related disease.

Allele frequency attached by ClinVar (database versions not stated): gnomAD exomes below 0.00001; ExAC 0.00003; gnomAD 0.00003; TOPMed 0.00003; ESP Exome Variant Server 0.00025.
gnomAD v4.1: 9 of 1,612,482 alleles (0.00056%); highest among the groups gnomAD compares: African/African-American, 0.012%; no homozygotes.

Submissions (2):

PreventionGenetics, part of Exact Sciences
Classification: Uncertain significance for TTN-related condition. Last evaluated: 2026-04-30. Review status: criteria provided, single submitter. Criteria: ACMG Guidelines, 2015. Collection method: clinical testing. Allele origin: germline.
Comment: The TTN c.47917G>A variant is predicted to result in the amino acid substitution p.Glu15973Lys. To our knowledge, this variant has not been reported in the literature. This variant is reported in 0.025% of alleles in individuals of African descent in gnomAD. At this time, the clinical significance of this variant is uncertain due to the absence of conclusive functional and genetic evidence.

Ambry Genetics
Classification: Uncertain significance for Cardiovascular phenotype. Last evaluated: 2018-09-26. Review status: criteria provided, single submitter. Criteria: Ambry Variant Classification Scheme 2023. Collection method: clinical testing. Allele origin: germline.
Comment: The p.E6908K variant (also known as c.20722G>A), located in coding exon 83 of the TTN gene, results from a G to A substitution at nucleotide position 20722. The glutamic acid at codon 6908 is replaced by lysine, an amino acid with similar properties. This amino acid position is highly conserved in available vertebrate species. In addition, this alteration is predicted to be tolerated by in silico analysis. Since supporting evidence is limited at this time, the clinical significance of this alteration remains unclear.